The following is an entry in ClinVar:

ClinVar aggregate classification (germline): Uncertain significance. Review status: criteria provided, multiple submitters, no conflicts (2 of 4 stars). 2 submissions from 2 submitters: Uncertain significance (2). Last evaluated 2025-07-14.

Conditions:
Hereditary cancer-predisposing syndrome. Also called: Tumor predisposition; Neoplastic Syndromes, Hereditary; Hereditary Cancer Syndrome; Hereditary neoplastic syndrome. Identifiers: Orphanet 140162, MedGen C0027672, MeSH D009386, MONDO:0015356.
Tumor predisposition syndrome 3 (TPDS3). Also called: Glioma susceptibility 9; LONG TELOMERE SYNDROME, POT1-RELATED; POT1 Tumor Predisposition; Melanoma, cutaneous malignant, susceptibility to, 10. Identifiers: Orphanet 618, MedGen C4014476, MONDO:0014368, OMIM 615848.

Allele frequency attached by ClinVar (database versions not stated): gnomAD 0.00001; gnomAD exomes below 0.00001; TOPMed below 0.00001.
gnomAD v4.1: 2 of 1,613,798 alleles (0.00012%); highest among the groups gnomAD compares: South Asian, 0.0011%; no homozygotes.

Submissions (2):

Ambry Genetics
Classification: Uncertain significance for Hereditary cancer-predisposing syndrome. Last evaluated: 2025-07-14. Review status: criteria provided, single submitter. Criteria: Ambry Variant Classification Scheme 2023. Collection method: clinical testing. Allele origin: germline.
Comment: The p.G496E variant (also known as c.1487G>A), located in coding exon 11 of the POT1 gene, results from a G to A substitution at nucleotide position 1487. The glycine at codon 496 is replaced by glutamic acid, an amino acid with similar properties. This amino acid position is not well conserved in available vertebrate species. In addition, this alteration is predicted to be tolerated by in silico analysis. Based on the available evidence, the clinical significance of this variant remains unclear.

Labcorp Genetics (formerly Invitae), Labcorp
Classification: Uncertain significance for Tumor predisposition syndrome 3. Last evaluated: 2024-12-31. Review status: criteria provided, single submitter. Criteria: Invitae Variant Classification Sherloc (09022015). Collection method: clinical testing. Allele origin: germline.
Comment: This sequence change replaces glycine, which is neutral and non-polar, with glutamic acid, which is acidic and polar, at codon 496 of the POT1 protein (p.Gly496Glu). This variant is not present in population databases (gnomAD no frequency). This variant has not been reported in the literature in individuals affected with POT1-related conditions. ClinVar contains an entry for this variant (Variation ID: 1773693). Invitae Evidence Modeling of protein sequence and biophysical properties (such as structural, functional, and spatial information, amino acid conservation, physicochemical variation, residue mobility, and thermodynamic stability) indicates that this missense variant is not expected to disrupt POT1 protein function with a negative predictive value of 80%. In summary, the available evidence is currently insufficient to determine the role of this variant in disease. Therefore, it has been classified as a Variant of Uncertain Significance.

NM_015450.3(POT1):c.1487G>A (p.Gly496Glu)

Gene: POT1 (protection of telomeres 1; minus strand). Cytogenetic location: 7q31.33.
Variant type: single nucleotide variant.
Coding change: c.1487G>A on transcript NM_015450.3 (MANE Select); coding-DNA position 1487, G replaced by A.
Protein change: p.Gly496Glu; replaces glycine 496 with glutamic acid.
Molecular consequence: missense variant. On other transcripts: non-coding transcript variant (3).
Genome position (GRCh38, 1-based): chr7:124,835,297, C>T on the plus strand (G>A on the coding strand, the complement: POT1 is on the minus strand). VCF-style: chr7-124835297-C-T. GRCh37 (hg19) VCF-style: chr7-124475351-C-T.
Other names: c.1094G>A, p.Gly365Glu (NM_001042594.2); short protein forms G365E, G496E.
Identifiers: ClinVar variation 1773693 (VCV001773693.6), dbSNP rs1794864420, ClinGen allele CA369065448.